The following is an entry in ClinVar:

NM_017617.5(NOTCH1):c.2039A>G (p.Asp680Gly)

Gene: NOTCH1 (notch receptor 1; minus strand). Cytogenetic location: 9q34.3.
Variant type: single nucleotide variant.
Coding change: c.2039A>G on transcript NM_017617.5 (MANE Select); coding-DNA position 2039, A replaced by G.
Protein change: p.Asp680Gly; replaces aspartic acid 680 with glycine.
Molecular consequence: missense variant.
Genome position (GRCh38, 1-based): chr9:136,514,678, T>C on the plus strand (A>G on the coding strand, the complement: NOTCH1 is on the minus strand). VCF-style: chr9-136514678-T-C. GRCh37 (hg19) VCF-style: chr9-139409130-T-C.
Other names: short protein forms D680G.
Identifiers: ClinVar variation 1350171 (VCV001350171.6), dbSNP rs2133361218, ClinGen allele CA375558873.

ClinVar aggregate classification (germline): Uncertain significance (1 of 4 stars; one submission).

Conditions:
Adams-Oliver syndrome 5 (AOS5). Identifiers: Orphanet 974, MedGen C4014970, MONDO:0014459, OMIM 616028.

Allele frequency attached by ClinVar (database versions not stated): gnomAD exomes below 0.00001.
gnomAD v4.1: 1 of 1,612,478 alleles (0.000062%); highest among the groups gnomAD compares: Non-Finnish European, 0.000085%; no homozygotes.

Submission:

Labcorp Genetics (formerly Invitae), Labcorp
Classification: Uncertain significance for Adams-Oliver syndrome 5. Last evaluated: 2022-07-26. Review status: criteria provided, single submitter. Criteria: Invitae Variant Classification Sherloc (09022015). Collection method: clinical testing. Allele origin: germline.
Comment: In summary, the available evidence is currently insufficient to determine the role of this variant in disease. Therefore, it has been classified as a Variant of Uncertain Significance. Algorithms developed to predict the effect of sequence changes on RNA splicing suggest that this variant may create or strengthen a splice site. Advanced modeling of protein sequence and biophysical properties (such as structural, functional, and spatial information, amino acid conservation, physicochemical variation, residue mobility, and thermodynamic stability) performed at Invitae indicates that this missense variant is not expected to disrupt NOTCH1 protein function. ClinVar contains an entry for this variant (Variation ID: 1350171). This variant has not been reported in the literature in individuals affected with NOTCH1-related conditions. This variant is not present in population databases (gnomAD no frequency). This sequence change replaces aspartic acid, which is acidic and polar, with glycine, which is neutral and non-polar, at codon 680 of the NOTCH1 protein (p.Asp680Gly).